The following is an entry in ClinVar:

ClinVar aggregate classification (germline): Benign/Likely benign. Review status: criteria provided, multiple submitters, no conflicts (2 of 4 stars). 5 submissions from 5 submitters: Benign (1); Likely benign (4). Last evaluated 2024-04-02.

Conditions:
Classic or attenuated familial adenomatous polyposis. Identifiers: MedGen CN372698, MONDO:0021057.
Hereditary cancer-predisposing syndrome. Also called: Neoplastic Syndromes, Hereditary; Tumor predisposition; Hereditary neoplastic syndrome; Hereditary Cancer Syndrome. Identifiers: Orphanet 140162, MedGen C0027672, MeSH D009386, MONDO:0015356.
Familial adenomatous polyposis 1 (FAP1). Also called: POLYPOSIS, ADENOMATOUS INTESTINAL; FAMILIAL ADENOMATOUS POLYPOSIS 1, ATTENUATED. Identifiers: MedGen C2713442, MONDO:0021056, OMIM 175100. Disease mechanism: loss of function.

Allele frequency attached by ClinVar (database versions not stated): gnomAD exomes below 0.00001.
gnomAD v4.1: 1 of 1,612,744 alleles (0.000062%); highest among the groups gnomAD compares: Non-Finnish European, 0.000085%; no homozygotes.

Submissions (5):

Myriad Genetics, Inc.
Classification: Benign for Familial adenomatous polyposis 1. Last evaluated: 2024-04-02. Review status: criteria provided, single submitter. Criteria: Myriad Autosomal Dominant, Autosomal Recessive and X-Linked Classification Criteria (2023). Collection method: clinical testing. Allele origin: unknown.
Comment: This variant is considered benign. This variant is a silent/synonymous amino acid change and it is not expected to impact splicing.

Labcorp Genetics (formerly Invitae), Labcorp
Classification: Likely benign for Familial adenomatous polyposis 1. Last evaluated: 2024-03-10. Review status: criteria provided, single submitter. Criteria: Invitae Variant Classification Sherloc (09022015). Collection method: clinical testing. Allele origin: germline.

Ambry Genetics
Classification: Likely benign for Hereditary cancer-predisposing syndrome. Last evaluated: 2023-09-05. Review status: criteria provided, single submitter. Criteria: Ambry Variant Classification Scheme 2023. Collection method: clinical testing. Allele origin: germline.

All of Us Research Program, National Institutes of Health
Classification: Likely benign for Classic or attenuated familial adenomatous polyposis. Last evaluated: 2023-03-23. Review status: criteria provided, single submitter. Criteria: ACMG Guidelines, 2015. Collection method: clinical testing. Allele origin: germline. Inheritance: Autosomal dominant inheritance. Observed: 1 variant allele, 1 heterozygote.
Comment: This study involves interpretation of variants in research participants for the purpose of population health screening. Participant phenotype was not available at the time of variant classification. Additional details can be found in publication PMID: 35346344, PMCID: PMC8962531

Color Diagnostics, LLC DBA Color Health
Classification: Likely benign for Hereditary cancer-predisposing syndrome. Last evaluated: 2018-04-13. Review status: criteria provided, single submitter. Criteria: ACMG Guidelines, 2015. Collection method: clinical testing. Allele origin: germline.

NM_000038.6(APC):c.5502C>T (p.Val1834=)

Gene: APC (APC regulator of Wnt signaling pathway; plus strand). Cytogenetic location: 5q22.2.
Variant type: single nucleotide variant.
Coding change: c.5502C>T on transcript NM_000038.6 (MANE Select); coding-DNA position 5502, C replaced by T.
Protein change: p.Val1834=; no amino-acid change (valine 1834 retained).
Molecular consequence: synonymous variant.
Genome position (GRCh38, 1-based): chr5:112,841,096, C>T. VCF-style: chr5-112841096-C-T. GRCh37 (hg19) VCF-style: chr5-112176793-C-T.
Other names: c.5502C>T, p.Val1834= (NM_001127510.3, NM_001354895.2); c.5448C>T, p.Val1816= (NM_001127511.3); c.5556C>T, p.Val1852= (NM_001354896.2); c.5532C>T, p.Val1844= (NM_001354897.2); c.5427C>T, p.Val1809= (NM_001354898.2); c.5418C>T, p.Val1806= (NM_001354899.2); c.5379C>T, p.Val1793= (NM_001354900.2); c.5325C>T, p.Val1775= (NM_001354901.2); and 5 more.
Identifiers: ClinVar variation 629991 (VCV000629991.15), dbSNP rs1561600661, ClinGen allele CA446208892.
Genomic context (GRCh38, chr5:112,841,096, plus strand): 5'-GAATTTGAAAAATAATTCCAAGGTCTTCAATGATAAGCTCCCAAATAATGAAGATAGAGT[C>T]AGAGGAAGTTTTGCTTTTGATTCACCTCATCATTACACGCCTATTGAAGGAACTCCTTAC-3'
Protein context (NP_000029.2, residues 1824-1844): NDKLPNNEDR[Val1834=]RGSFAFDSPH